The following is an entry in ClinVar:

ClinVar aggregate classification (germline): Uncertain significance (1 of 4 stars; one submission).

Submission:

Ambry Genetics
Classification: Uncertain significance. Last evaluated: 2025-10-08. Review status: criteria provided, single submitter. Criteria: Ambry Variant Classification Scheme 2023. Collection method: clinical testing. Allele origin: germline.
Comment: The p.P1750A variant (also known as c.5248C>G), located in coding exon 45 of the KIF1B gene, results from a C to G substitution at nucleotide position 5248. The proline at codon 1750 is replaced by alanine, an amino acid with highly similar properties. This amino acid position is conserved. In addition, this alteration is predicted to be deleterious by in silico analysis. Based on the available evidence, the clinical significance of this variant remains unclear.

NM_001365951.3(KIF1B):c.5386C>G (p.Pro1796Ala)

Gene: KIF1B (kinesin family member 1B; plus strand). Cytogenetic location: 1p36.22.
Variant type: single nucleotide variant.
Coding change: c.5386C>G on transcript NM_001365951.3 (MANE Select); coding-DNA position 5386, C replaced by G.
Protein change: p.Pro1796Ala; replaces proline 1796 with alanine.
Molecular consequence: missense variant.
Genome position (GRCh38, 1-based): chr1:10,375,351, C>G. VCF-style: chr1-10375351-C-G. GRCh37 (hg19) VCF-style: chr1-10435409-C-G.
Other names: c.5386C>G, p.Pro1796Ala (NM_001365952.1); c.5248C>G, p.Pro1750Ala (NM_015074.3); short protein forms P1796A, P1750A.
Identifiers: ClinVar variation 4543640 (VCV004543640.1).
Genomic context (GRCh38, chr1:10,375,351, plus strand): 5'-GGGGTCCTTTTGCAGGCCCTCAATGACAAAGACATGAACGACTGGTTGTATGCCTTCAAC[C>G]CACTTCTAGCTGGCACAATACGGTAAGAAGTTTTGTTGTTGTTGTTGTTGTTTTTGAGAC-3'
Protein context (NP_001352880.1, residues 1786-1806): DMNDWLYAFN[Pro1796Ala]LLAGTIRSKL